The following is an entry in ClinVar:

ClinVar aggregate classification (germline): Uncertain significance (1 of 4 stars; one submission).

Conditions:
BAP1-related tumor predisposition syndrome (TPDS1). Also called: TUMOR PREDISPOSITION SYNDROME 1; BAP1 tumor predisposition syndrome; Tumor susceptibility linked to germline BAP1 mutations; COMMON Syndrome. Identifiers: Orphanet 289539, MedGen C3280492, MONDO:0013692, OMIM 614327.

Submission:

Labcorp Genetics (formerly Invitae), Labcorp
Classification: Uncertain significance for BAP1-related tumor predisposition syndrome. Last evaluated: 2025-06-22. Review status: criteria provided, single submitter. Criteria: Invitae Variant Classification Sherloc (09022015). Collection method: clinical testing. Allele origin: germline.
Comment: This sequence change replaces glutamic acid, which is acidic and polar, with glutamine, which is neutral and polar, at codon 148 of the BAP1 protein (p.Glu148Gln). This variant is not present in population databases (gnomAD no frequency). This variant has not been reported in the literature in individuals affected with BAP1-related conditions. Invitae Evidence Modeling of protein sequence and biophysical properties (such as structural, functional, and spatial information, amino acid conservation, physicochemical variation, residue mobility, and thermodynamic stability) indicates that this missense variant is not expected to disrupt BAP1 protein function with a negative predictive value of 80%. Experimental studies are conflicting or provide insufficient evidence to determine the effect of this variant on BAP1 function (PMID: 28935764). In summary, the available evidence is currently insufficient to determine the role of this variant in disease. Therefore, it has been classified as a Variant of Uncertain Significance.

Literature cited by the submitters: PubMed 28935764.

NM_004656.4(BAP1):c.442G>C (p.Glu148Gln)

Gene: BAP1 (BRCA1 associated deubiquitinase 1; minus strand). Cytogenetic location: 3p21.1.
Variant type: single nucleotide variant.
Coding change: c.442G>C on transcript NM_004656.4 (MANE Select); coding-DNA position 442, G replaced by C.
Protein change: p.Glu148Gln; replaces glutamic acid 148 with glutamine.
Molecular consequence: missense variant.
Genome position (GRCh38, 1-based): chr3:52,407,312, C>G on the plus strand (G>C on the coding strand, the complement: BAP1 is on the minus strand). VCF-style: chr3-52407312-C-G. GRCh37 (hg19) VCF-style: chr3-52441328-C-G.
Other names: c.442G>C, p.Glu148Gln (NM_001410772.1); short protein forms E148Q.
Identifiers: ClinVar variation 4741080 (VCV004741080.1).